The following is an entry in ClinVar:

ClinVar aggregate classification (germline): Uncertain significance (1 of 4 stars; one submission).

Conditions:
BBS1-related disorder. Also called: BBS1-related condition.

gnomAD v4.1: 12 of 1,606,844 alleles (0.00075%); highest among the groups gnomAD compares: Admixed American, 0.018%; no homozygotes.

Submission:

PreventionGenetics, part of Exact Sciences
Classification: Uncertain significance for BBS1-related condition. Last evaluated: 2025-09-04. Review status: criteria provided, single submitter. Criteria: ACMG Guidelines, 2015. Collection method: clinical testing. Allele origin: germline.
Comment: The BBS1 c.1430C>T variant is predicted to result in the amino acid substitution p.Pro477Leu. To our knowledge, this variant has not been reported in the literature. This variant is reported in 0.012% of alleles in individuals of Latino descent in gnomAD. At this time, the clinical significance of this variant is uncertain due to the absence of conclusive functional and genetic evidence.

NM_024649.5(BBS1):c.1430C>T (p.Pro477Leu)

Genes: BBS1 (Bardet-Biedl syndrome 1; plus strand), ZDHHC24 (zDHHC palmitoyltransferase 24; minus strand). Cytogenetic location: 11q13.2.
Variant type: single nucleotide variant.
Coding change: c.1430C>T on transcript NM_024649.5 (MANE Select); coding-DNA position 1430, C replaced by T.
Protein change: p.Pro477Leu; replaces proline 477 with leucine.
Molecular consequence: missense variant. On other transcripts: intron variant (1).
Genome position (GRCh38, 1-based): chr11:66,529,909, C>T. VCF-style: chr11-66529909-C-T. GRCh37 (hg19) VCF-style: chr11-66297380-C-T.
Other names: c.560-421G>A (NM_001348571.2); short protein forms P477L.
Identifiers: ClinVar variation 4994570 (VCV004994570.1).